The following is an entry in ClinVar:

NM_000228.3(LAMB3):c.2702-14G>A

Gene: LAMB3 (laminin subunit beta 3; minus strand). Cytogenetic location: 1q32.2.
Variant type: single nucleotide variant.
Coding change: c.2702-14G>A on transcript NM_000228.3 (MANE Select); 14 bases into the intron before coding-DNA position 2702, G replaced by A.
Molecular consequence: intron variant.
Genome position (GRCh38, 1-based): chr1:209,618,673, C>T on the plus strand (G>A on the coding strand, the complement: LAMB3 is on the minus strand). VCF-style: chr1-209618673-C-T. GRCh37 (hg19) VCF-style: chr1-209792018-C-T.
Other names: c.2702-14G>A (NM_001127641.1, NM_001017402.2).
Identifiers: ClinVar variation 295081 (VCV000295081.16), dbSNP rs199838217, ClinGen allele CA1375118.
Genomic context (GRCh38, chr1:209,618,673, plus strand): 5'-CACGGCCTCGCTGACCTCCTGGATAGTGGCTGCATCAGTGTCGGGGTCTGGAAGACAACA[C>T]GCATTTGACTGTAGGAGCCCACTAACCTCCCCAGAGATACGAGGCCTCTCCTAGCTGAGC-3'

ClinVar aggregate classification (germline): Benign. Review status: criteria provided, multiple submitters, no conflicts (2 of 4 stars). 5 submissions from 5 submitters: Benign (5). Last evaluated 2026-02-04.

Conditions:
Junctional epidermolysis bullosa. Identifiers: Orphanet 305, MedGen C0079301, MONDO:0017612.

Allele frequency attached by ClinVar (database versions not stated): gnomAD exomes 0.01239; ExAC 0.01411; 1000 Genomes Project 0.02057; 1000 Genomes Project 30x 0.02077; gnomAD 0.02649 and 0.02820; TOPMed 0.02735.
gnomAD v4.1: 21,236 of 1,402,116 alleles (1.5%); highest among the groups gnomAD compares: African/African-American, 6.6%; 258 homozygotes.

Submissions (5):

Labcorp Genetics (formerly Invitae), Labcorp
Classification: Benign. Last evaluated: 2026-02-04. Review status: criteria provided, single submitter. Criteria: Invitae Variant Classification Sherloc (09022015). Collection method: clinical testing. Allele origin: germline.

Women's Health and Genetics/Laboratory Corporation of America, LabCorp
Classification: Benign. Last evaluated: 2021-12-10. Review status: criteria provided, single submitter. Criteria: LabCorp Variant Classification Summary - May 2015. Collection method: clinical testing. Allele origin: germline.

Illumina Laboratory Services, Illumina
Classification: Benign for Junctional epidermolysis bullosa. Last evaluated: 2018-01-12. Review status: criteria provided, single submitter. Criteria: ICSL Variant Classification Criteria 13 December 2019. Collection method: clinical testing. Allele origin: germline.
Comment: This variant was observed in the ICSL laboratory as part of a predisposition screen in an ostensibly healthy population. It had not been previously curated by ICSL or reported in the Human Gene Mutation Database (HGMD: prior to June 1st, 2018), and was therefore a candidate for classification through an automated scoring system. Utilizing variant allele frequency, disease prevalence and penetrance estimates, and inheritance mode, an automated score was calculated to assess if this variant is too frequent to cause the disease. Based on the score and internal cut-off values, a variant classified as benign is not then subjected to further curation. The score for this variant resulted in a classification of benign for this disease.

GeneDx
Classification: Benign. Last evaluated: 2015-03-03. Review status: criteria provided, single submitter. Criteria: GeneDx Variant Classification Process June 2021. Collection method: clinical testing. Allele origin: germline. Affected: yes.

Breakthrough Genomics
Classification: Benign. Review status: criteria provided, single submitter. Criteria: ACMG Guidelines, 2015. Collection method: not provided. Allele origin: germline. Inheritance: Autosomal recessive inheritance. Affected: yes.